The following is an entry in ClinVar:

NM_000361.3(THBD):c.1231A>C (p.Thr411Pro)

Gene: THBD (thrombomodulin; minus strand). Cytogenetic location: 20p11.21.
Variant type: single nucleotide variant.
Coding change: c.1231A>C on transcript NM_000361.3 (MANE Select); coding-DNA position 1231, A replaced by C.
Protein change: p.Thr411Pro; replaces threonine 411 with proline.
Molecular consequence: missense variant.
Genome position (GRCh38, 1-based): chr20:23,048,274, T>G on the plus strand (A>C on the coding strand, the complement: THBD is on the minus strand). VCF-style: chr20-23048274-T-G. GRCh37 (hg19) VCF-style: chr20-23028911-T-G.
Other names: short protein forms T411P.
Identifiers: ClinVar variation 4762637 (VCV004762637.1).

ClinVar aggregate classification (germline): Uncertain significance (1 of 4 stars; one submission).

gnomAD v4.1: 1 of 1,613,872 alleles (0.000062%); no homozygotes.

Submission:

Labcorp Genetics (formerly Invitae), Labcorp
Classification: Uncertain significance. Last evaluated: 2025-07-18. Review status: criteria provided, single submitter. Criteria: Invitae Variant Classification Sherloc (09022015). Collection method: clinical testing. Allele origin: germline.
Comment: This sequence change replaces threonine, which is neutral and polar, with proline, which is neutral and non-polar, at codon 411 of the THBD protein (p.Thr411Pro). This variant is present in population databases (rs745694572, gnomAD 0.0009%). This variant has not been reported in the literature in individuals affected with THBD-related conditions. An algorithm developed to predict the effect of missense changes on protein structure and function (PolyPhen-2) suggests that this variant is likely to be disruptive. In summary, the available evidence is currently insufficient to determine the role of this variant in disease. Therefore, it has been classified as a Variant of Uncertain Significance.